The following is an entry in ClinVar:

NM_006415.4(SPTLC1):c.795C>T (p.Tyr265=)

Gene: SPTLC1 (serine palmitoyltransferase long chain base subunit 1; minus strand). Cytogenetic location: 9q22.31.
Variant type: single nucleotide variant.
Coding change: c.795C>T on transcript NM_006415.4 (MANE Select); coding-DNA position 795, C replaced by T.
Protein change: p.Tyr265=; no amino-acid change (tyrosine 265 retained).
Molecular consequence: synonymous variant.
Genome position (GRCh38, 1-based): chr9:92,050,053, G>A on the plus strand (C>T on the coding strand, the complement: SPTLC1 is on the minus strand). VCF-style: chr9-92050053-G-A. GRCh37 (hg19) VCF-style: chr9-94812335-G-A.
Other names: p.Tyr265=; c.795C>T (LRG_272t1); c.795C>T, p.Tyr265= (NM_001281303.2); c.429C>T, p.Tyr143= (NM_001368272.1); c.330C>T, p.Tyr110= (NM_001368273.1).
Identifiers: ClinVar variation 456604 (VCV000456604.47), dbSNP rs150756641, ClinGen allele CA5121420.

ClinVar aggregate classification (germline): Benign/Likely benign. Review status: criteria provided, multiple submitters, no conflicts (2 of 4 stars). 9 submissions from 9 submitters: Benign (3); Likely benign (6). Last evaluated 2026-01-14.

Conditions:
Charcot-Marie-Tooth disease. Also called: Charcot-Marie-Tooth Neuropathy; Charcot-Marie-Tooth Hereditary Neuropathy. Identifiers: Orphanet 166, MedGen C0007959, MONDO:0015626.
Neuropathy, hereditary sensory and autonomic, type 1A (HSAN1A). Also called: NEUROPATHY, HEREDITARY SENSORY AND AUTONOMIC, TYPE IA; HSAN IA; HSN IA; NEUROPATHY, HEREDITARY SENSORY RADICULAR, AUTOSOMAL DOMINANT, TYPE 1A; SPTLC1-Related Hereditary Sensory Neuropathy. Identifiers: MedGen C5235211, MONDO:0008086, OMIM 162400.
Hereditary sensory and autonomic neuropathy type 1 (HSAN1). Also called: HSAN 1; Hereditary Sensory Neuropathy Type I; HSN Type I. Identifiers: Orphanet 36386, MedGen C0020071, MONDO:0018213.
Inborn genetic diseases. Identifiers: MedGen C0950123, MeSH D030342.

Allele frequency attached by ClinVar (database versions not stated): gnomAD 0.00034 and 0.00035; gnomAD exomes 0.00025 and 0.00055; ExAC 0.00031; ESP Exome Variant Server 0.00046; TOPMed 0.00046.

Submissions (9):

Labcorp Genetics (formerly Invitae), Labcorp
Classification: Likely benign for Hereditary sensory and autonomic neuropathy type 1. Last evaluated: 2026-01-14. Review status: criteria provided, single submitter. Criteria: Invitae Variant Classification Sherloc (09022015). Collection method: clinical testing. Allele origin: germline.

Women's Health and Genetics/Laboratory Corporation of America, LabCorp
Classification: Benign. Last evaluated: 2025-04-14. Review status: criteria provided, single submitter. Criteria: LabCorp Variant Classification Summary - May 2015. Collection method: clinical testing. Allele origin: germline.

Laboratory of Genetics, Children's Clinical University Hospital Latvia
Classification: Benign. Last evaluated: 2025-02-16. Review status: criteria provided, single submitter. Criteria: ACMG Guidelines, 2015. Collection method: clinical testing. Allele origin: germline. Affected: yes.

CeGaT Center for Human Genetics Tuebingen
Classification: Likely benign. Last evaluated: 2023-12-01. Review status: criteria provided, single submitter. Criteria: CeGaT Center For Human Genetics Tuebingen Variant Classification Criteria Version 2. Collection method: clinical testing. Allele origin: germline. Affected: yes. Observed: 1 variant allele.
Comment: SPTLC1: BS2

Mayo Clinic Laboratories, Mayo Clinic
Classification: Benign. Last evaluated: 2021-07-09. Review status: criteria provided, single submitter. Criteria: ACMG Guidelines, 2015. Collection method: clinical testing. Allele origin: germline. Observed: 2 variant alleles.

GeneDx
Classification: Likely benign. Last evaluated: 2020-12-21. Review status: criteria provided, single submitter. Criteria: GeneDx Variant Classification Process June 2021. Collection method: clinical testing. Allele origin: germline. Affected: yes.

Ambry Genetics
Classification: Likely benign for Inborn genetic diseases. Last evaluated: 2019-07-11. Review status: criteria provided, single submitter. Criteria: Ambry Variant Classification Scheme 2023. Collection method: clinical testing. Allele origin: germline.

Illumina Laboratory Services, Illumina
Classification: Likely benign for Neuropathy, hereditary sensory and autonomic, type 1A. Last evaluated: 2018-01-12. Review status: criteria provided, single submitter. Criteria: ICSL Variant Classification Criteria 13 December 2019. Collection method: clinical testing. Allele origin: germline.
Comment: This variant was observed in the ICSL laboratory as part of a predisposition screen in an ostensibly healthy population. It had not been previously curated by ICSL or reported in the Human Gene Mutation Database (HGMD: prior to June 1st, 2018), and was therefore a candidate for classification through an automated scoring system. Utilizing variant allele frequency, disease prevalence and penetrance estimates, and inheritance mode, an automated score was calculated to assess if this variant is too frequent to cause the disease. Based on the score and internal cut-off values, a variant classified as likely benign is not then subjected to further curation. The score for this variant resulted in a classification of likely benign for this disease.

Molecular Genetics Laboratory, London Health Sciences Centre
Classification: Likely benign for Charcot-Marie-Tooth disease. Review status: criteria provided, single submitter. Criteria: ACMG Guidelines, 2015. Collection method: clinical testing. Allele origin: germline. Affected: yes.